The following is an entry in ClinVar:

ClinVar aggregate classification (germline): Pathogenic/Likely pathogenic. Review status: criteria provided, multiple submitters, no conflicts (2 of 4 stars). 6 submissions from 6 submitters: Pathogenic (2); Likely pathogenic (4). Last evaluated 2025-09-12.

Conditions:
Autosomal recessive limb-girdle muscular dystrophy type 2O. Also called: Limb-Girdle Muscular Dystrophy Type 3C; MUSCULAR DYSTROPHY-DYSTROGLYCANOPATHY (LIMB-GIRDLE), TYPE C, 3; MUSCULAR DYSTROPHY-DYSTROGLYCANOPATHY, LIMB-GIRDLE, POMGNT1-RELATED. Identifiers: Orphanet 206564, MedGen C3150417, MONDO:0013161, OMIM 613157.
Muscular dystrophy-dystroglycanopathy (congenital with impaired intellectual development), type B, 3. Also called: Muscular dystrophy-dystroglycanopathy (congenital with intellectual disability), type B3; MUSCULAR DYSTROPHY, CONGENITAL, POMGNT1-RELATED. Identifiers: MedGen C3150412, MONDO:0013155, OMIM 613151.
Muscular dystrophy-dystroglycanopathy. Also called: Congenital muscular dystrophy due to dystroglycanopathy. Identifiers: Orphanet 370953, MedGen C5679911, MONDO:0018276.
Muscle eye brain disease (MEB). Also called: Santavuori congenital muscular dystrophy. Identifiers: Orphanet 588, Orphanet 899, MedGen C0457133, MONDO:0018939.
Muscular dystrophy-dystroglycanopathy (congenital with brain and eye anomalies), type A3. Also called: Congenital muscular dystrophy-dystroglycanopathy with brain and eye anomalies, type A3; Muscular dystrophy-dystroglycanopathy (congenital with brain and eye anomalies), type A, 3; WALKER-WARBURG SYNDROME OR MUSCLE-EYE-BRAIN DISEASE, POMGNT1-RELATED. Identifiers: MedGen C3151519, MONDO:0009667, OMIM 253280.
Retinitis pigmentosa 76 (RP76). Identifiers: MedGen C4310704, MONDO:0014929, OMIM 617123.
Retinal dystrophy. Also called: Inherited retinal dystrophy. Identifiers: Orphanet 71862, MedGen C0854723, MeSH D058499, MONDO:0019118, HP:0000556.

Allele frequency attached by ClinVar (database versions not stated): gnomAD exomes below 0.00001; TOPMed 0.00001.
gnomAD v4.1: 2 of 1,614,014 alleles (0.00012%); highest among the groups gnomAD compares: Non-Finnish European, 0.00017%; no homozygotes.

Submissions (6):

Natera, Inc.
Classification: Likely pathogenic for Muscle-eye-brain disease. Last evaluated: 2025-09-12. Review status: criteria provided, single submitter. Criteria: Natera Variant Classification Schema (03/2026). Collection method: clinical testing. Allele origin: germline.
Comment: The c.880-1G>C variant in POMGNT1 is a canonical splice acceptor site variant predicted to affect pre-mRNA splicing, which may result in an abnormal transcript and altered protein product. This variant is expected to result in nonsense mediated decay, truncation, or a dysfunctional protein product. This variant is rare in the general population with a frequency below the threshold expected for the associated phenotype(s). Given the available evidence, this variant is classified as Likely Pathogenic.

Fulgent Genetics
Classification: Likely pathogenic for Muscular dystrophy-dystroglycanopathy (congenital with brain and eye anomalies), type A3; Muscular dystrophy-dystroglycanopathy (congenital with impaired intellectual development), type B, 3; Autosomal recessive limb-girdle muscular dystrophy type 2O; Retinitis pigmentosa 76. Last evaluated: 2024-05-22. Review status: criteria provided, single submitter. Criteria: ACMG Guidelines, 2015. Collection method: clinical testing. Allele origin: germline.

Broad Center for Mendelian Genomics, Broad Institute of MIT and Harvard
Classification: Likely pathogenic for Muscular dystrophy-dystroglycanopathy. Last evaluated: 2023-01-24. Review status: criteria provided, single submitter. Criteria: ACMG Guidelines, 2015. Collection method: curation. Allele origin: germline. Inheritance: Autosomal recessive inheritance.
Comment: The c.880-1G>C variant in POMGNT1 has not been previously reported in the literature in individuals with POMGNT1-associated muscular dystrophy-dystroglycanopathy, but has been identified in 0.0009% (1/113668) of European (non-Finnish) chromosomes by the Genome Aggregation Database (gnomAD; dbSNP ID: rs1317832573). Although this variant has been seen in the general population in a heterozygous state, its frequency is low enough to be consistent with a recessive carrier frequency. This variant has also been reported in ClinVar (Variation ID#1525403) and has been interpreted as pathogenic by Invitae. This variant is located in the 3' splice region. SpliceAI predictions indicate use of an out-of-frame cryptic splice site 7 bases from the intron-exon boundary, providing evidence that this variant may cause a frameshift and lead to a premature termination codon downstream. This alteration is then predicted to lead to a truncated or absent protein. However, this information is not predictive enough to determine pathogenicity. Loss of function is an established disease mechanism in autosomal recessive POMGNT1-associated muscular dystrophy-dystroglycanopathy. In summary, although additional studies are required to fully establish its clinical significance, this variant is likely pathogenic for POMGNT1-associated muscular dystrophy-dystroglycanopathy. ACMG/AMP Criteria applied: PVS1, PM2 (Richards 2015).

Baylor Genetics
Classification: Pathogenic for Muscular dystrophy-dystroglycanopathy (congenital with brain and eye anomalies), type A3. Last evaluated: 2022-07-07. Review status: criteria provided, single submitter. Criteria: ACMG Guidelines, 2015. Collection method: clinical testing. Allele origin: unknown.

Labcorp Genetics (formerly Invitae), Labcorp
Classification: Likely pathogenic for Autosomal recessive limb-girdle muscular dystrophy type 2O; Muscular dystrophy-dystroglycanopathy (congenital with impaired intellectual development), type B, 3. Last evaluated: 2022-02-07. Review status: criteria provided, single submitter. Criteria: Invitae Variant Classification Sherloc (09022015). Collection method: clinical testing. Allele origin: germline.
Comment: In summary, the currently available evidence indicates that the variant is pathogenic, but additional data are needed to prove that conclusively. Therefore, this variant has been classified as Likely Pathogenic. Algorithms developed to predict the effect of sequence changes on RNA splicing suggest that this variant may disrupt the consensus splice site. This sequence change affects an acceptor splice site in intron 9 of the POMGNT1 gene. It is expected to disrupt RNA splicing. Variants that disrupt the donor or acceptor splice site typically lead to a loss of protein function (PMID: 16199547), and loss-of-function variants in POMGNT1 are known to be pathogenic (PMID: 19299310, 20816175, 21447391, 26908613, 27391550). This variant is present in population databases (no rsID available, gnomAD 0.0009%). This variant has not been reported in the literature in individuals affected with POMGNT1-related conditions.

Institute of Human Genetics, Univ. Regensburg, Univ. Regensburg
Classification: Pathogenic for Retinal dystrophy. Last evaluated: 2019-01-01. Review status: criteria provided, single submitter. Criteria: ACMG Guidelines, 2015. Collection method: clinical testing. Allele origin: germline. Affected: yes.

Literature cited by the submitters: PubMed 16199547 (cited by Labcorp Genetics (formerly Invitae), Labcorp); PubMed 19299310 (cited by Labcorp Genetics (formerly Invitae), Labcorp); PubMed 20816175 (cited by Labcorp Genetics (formerly Invitae), Labcorp); PubMed 21447391 (cited by Labcorp Genetics (formerly Invitae), Labcorp); PubMed 26908613 (cited by Labcorp Genetics (formerly Invitae), Labcorp); PubMed 27391550 (cited by Labcorp Genetics (formerly Invitae), Labcorp); PubMed 31964843 (cited by Institute of Human Genetics, Univ. Regensburg, Univ. Regensburg).

NM_017739.4(POMGNT1):c.880-1G>C

Genes: POMGNT1 (protein O-linked mannose N-acetylglucosaminyltransferase 1 (beta 1,2-); minus strand), TSPAN1 (tetraspanin 1; plus strand). Cytogenetic location: 1p34.1.
Variant type: single nucleotide variant.
Coding change: c.880-1G>C on transcript NM_017739.4 (MANE Select); the canonical splice acceptor site of the intron before coding-DNA position 880, G replaced by C.
Molecular consequence: splice acceptor variant.
Genome position (GRCh38, 1-based): chr1:46,193,926, C>G on the plus strand (G>C on the coding strand, the complement: POMGNT1 is on the minus strand). VCF-style: chr1-46193926-C-G. GRCh37 (hg19) VCF-style: chr1-46659598-C-G.
Other names: c.880-1G>C (NM_001243766.2, NM_001438686.1, NM_001438688.1 and 4 more transcripts); c.814-1G>C (NM_001290129.3, NM_001438691.1, NM_001438692.1); c.451-1G>C (NM_001290130.2).
Identifiers: ClinVar variation 1525403 (VCV001525403.12), dbSNP rs1317832573, ClinGen allele CA340182154.